The following is an entry in ClinVar:

NM_000218.3(KCNQ1):c.1514+34356T>C

Genes: KCNQ1 (potassium voltage-gated channel subfamily Q member 1; plus strand), KCNQ1OT1 (KCNQ1 opposite strand/antisense transcript 1; minus strand). Cytogenetic location: 11p15.5.
Variant type: single nucleotide variant.
Coding change: c.1514+34356T>C on transcript NM_000218.3 (MANE Select); 34356 bases into the intron after coding-DNA position 1514, T replaced by C.
Molecular consequence: intron variant. On other transcripts: non-coding transcript variant (1).
Genome position (GRCh38, 1-based): chr11:2,696,437, T>C. VCF-style: chr11-2696437-T-C. GRCh37 (hg19) VCF-style: chr11-2717667-T-C.
Other names: c.1244+34356T>C (NM_001406837.1); c.1418+34356T>C (NM_001406836.1); c.974+34356T>C (NM_001406838.1); c.1133+34356T>C (NM_181798.2).
Identifiers: ClinVar variation 3250507 (VCV003250507.18), dbSNP rs555796253.

ClinVar aggregate classification (germline): Likely benign (1 of 4 stars; one submission).

Allele frequency attached by ClinVar (database versions not stated): TOPMed 0.00010; gnomAD exomes 0.00023; gnomAD 0.00043; 1000 Genomes Project 30x 0.00219; 1000 Genomes Project 0.00260.
gnomAD v4.1: 125 of 398,706 alleles (0.031%); highest among the groups gnomAD compares: South Asian, 1.2%; 2 homozygotes.

Submission:

CeGaT Center for Human Genetics Tuebingen
Classification: Likely benign. Last evaluated: 2024-12-01. Review status: criteria provided, single submitter. Criteria: CeGaT Center For Human Genetics Tuebingen Variant Classification Criteria Version 2. Collection method: clinical testing. Allele origin: germline. Affected: yes. Observed: 2 variant alleles.
Comment: KCNQ1OT1: BS1